The following is an entry in ClinVar:

NM_000135.4(FANCA):c.1091T>C (p.Val364Ala)

Gene: FANCA (FA complementation group A; minus strand). Cytogenetic location: 16q24.3.
Variant type: single nucleotide variant.
Coding change: c.1091T>C on transcript NM_000135.4 (MANE Select); coding-DNA position 1091, T replaced by C.
Protein change: p.Val364Ala; replaces valine 364 with alanine.
Molecular consequence: missense variant.
Genome position (GRCh38, 1-based): chr16:89,792,061, A>G on the plus strand (T>C on the coding strand, the complement: FANCA is on the minus strand). VCF-style: chr16-89792061-A-G. GRCh37 (hg19) VCF-style: chr16-89858469-A-G.
Other names: c.1091T>C, p.Val364Ala (NM_001286167.3); short protein forms V364A.
Identifiers: ClinVar variation 3581553 (VCV003581553.2).

ClinVar aggregate classification (germline): Uncertain significance. Review status: criteria provided, multiple submitters, no conflicts (2 of 4 stars). 2 submissions from 2 submitters: Uncertain significance (2). Last evaluated 2026-08-01.

Conditions:
Fanconi anemia complementation group A (FANCA). Also called: Fanconi anemia, group A; FANCA-Related Fanconi Anemia. Identifiers: Orphanet 84, MedGen C3469521, MONDO:0009215, OMIM 227650.
Inborn genetic diseases. Identifiers: MedGen C0950123, MeSH D030342.

Submissions (2):

Ambry Genetics
Classification: Uncertain significance for Inborn genetic diseases. Last evaluated: 2026-08-01. Review status: criteria provided, single submitter. Criteria: Ambry Variant Classification Scheme 2023. Collection method: clinical testing. Allele origin: germline.
Comment: The p.V364A variant (also known as c.1091T>C), located in coding exon 13 of the FANCA gene, results from a T to C substitution at nucleotide position 1091. The valine at codon 364 is replaced by alanine, an amino acid with similar properties. This amino acid position is conserved. In addition, this alteration is predicted to be tolerated by in silico analysis. Based on the available evidence, the clinical significance of this variant remains unclear.

Fulgent Genetics
Classification: Uncertain significance for Fanconi anemia complementation group A. Last evaluated: 2024-05-08. Review status: criteria provided, single submitter. Criteria: ACMG Guidelines, 2015. Collection method: clinical testing. Allele origin: germline.